The following is an entry in ClinVar:

NM_000535.7(PMS2):c.237C>T (p.Asn79=)

Gene: PMS2 (PMS1 homolog 2, mismatch repair system component; minus strand). Cytogenetic location: 7p22.1.
Variant type: single nucleotide variant.
Coding change: c.237C>T on transcript NM_000535.7 (MANE Select); coding-DNA position 237, C replaced by T.
Protein change: p.Asn79=; no amino-acid change (asparagine 79 retained).
Molecular consequence: synonymous variant. On other transcripts: 5 prime UTR variant (37), missense variant (7), non-coding transcript variant (1), intron variant (1).
Genome position (GRCh38, 1-based): chr7:6,003,985, G>A on the plus strand (C>T on the coding strand, the complement: PMS2 is on the minus strand). VCF-style: chr7-6003985-G-A. GRCh37 (hg19) VCF-style: chr7-6043616-G-A.
Other names: c.-169C>T (NM_001018040.1, NM_001322003.2, NM_001322004.2 and 14 more transcripts); c.237C>T, p.Asn79= (NM_001322006.2, NM_001322014.2, NM_001406868.1 and 10 more transcripts); c.22C>T, p.Leu8Phe (NM_001322007.2, NM_001322008.2, NM_001406876.1 and 4 more transcripts); c.-648C>T (NM_001322011.2, NM_001322012.2); c.-248C>T (NM_001322015.2, NM_001406875.1, NM_001406877.1 and 3 more transcripts); c.423C>T, p.Asn141= (NM_001406866.1); c.-195C>T (NM_001406880.1); c.-145C>T (NM_001406881.1, NM_001406900.1); and 4 more; short protein forms L8F.
Identifiers: ClinVar variation 1790415 (VCV001790415.7), dbSNP rs2536512447, ClinGen allele CA366744773.

ClinVar aggregate classification (germline): Conflicting classifications of pathogenicity. Review status: criteria provided, conflicting classifications (1 of 4 stars). 4 submissions from 4 submitters: Uncertain significance (1); Benign (1); Likely benign (2). Last evaluated 2025-01-23.

Conditions:
Hereditary nonpolyposis colorectal neoplasms. Identifiers: MedGen C0009405, MeSH D003123.
Hereditary cancer-predisposing syndrome. Also called: Hereditary Cancer Syndrome; Hereditary neoplastic syndrome; Tumor predisposition; Neoplastic Syndromes, Hereditary. Identifiers: Orphanet 140162, MedGen C0027672, MeSH D009386, MONDO:0015356.
Lynch syndrome 4 (LYNCH4). Also called: Colorectal cancer, hereditary nonpolyposis, type 4; Hereditary non-polyposis colorectal cancer, type 4. Identifiers: Orphanet 144, MedGen C1838333, MONDO:0013699, OMIM 614337. Disease mechanism: loss of function.

Submissions (4):

Myriad Genetics, Inc.
Classification: Benign for Lynch syndrome 4. Last evaluated: 2025-01-23. Review status: criteria provided, single submitter. Criteria: Myriad Autosomal Dominant, Autosomal Recessive and X-Linked Classification Criteria (2023). Collection method: clinical testing. Allele origin: unknown.
Comment: This variant is considered benign. This variant is a silent/synonymous amino acid change and it is not expected to impact splicing.

Quest Diagnostics Nichols Institute San Juan Capistrano
Classification: Uncertain significance. Last evaluated: 2023-10-03. Review status: criteria provided, single submitter. Criteria: Quest Diagnostics criteria. Collection method: clinical testing. Allele origin: unknown.

Labcorp Genetics (formerly Invitae), Labcorp
Classification: Likely benign for Hereditary nonpolyposis colorectal neoplasms. Last evaluated: 2023-05-25. Review status: criteria provided, single submitter. Criteria: Invitae Variant Classification Sherloc (09022015). Collection method: clinical testing. Allele origin: germline.

Ambry Genetics
Classification: Likely benign for Hereditary cancer-predisposing syndrome. Last evaluated: 2020-06-09. Review status: criteria provided, single submitter. Criteria: Ambry Variant Classification Scheme 2023. Collection method: clinical testing. Allele origin: germline.